The following is an entry in ClinVar:

ClinVar aggregate classification (germline): Conflicting classifications of pathogenicity. Review status: criteria provided, conflicting classifications (1 of 4 stars). 6 submissions from 6 submitters: Pathogenic (1); Likely pathogenic (1); Uncertain significance (3). 1 of the submissions does not count toward it. Last evaluated 2026-03-23.

Conditions:
Very long chain acyl-CoA dehydrogenase deficiency (ACADVLD). Also called: VLCAD Deficiency; Very Long-Chain Acyl-Coenzyme A Dehydrogenase Deficiency. Identifiers: Orphanet 26793, MedGen C3887523, MONDO:0008723, OMIM 201475.

Allele frequency attached by ClinVar (database versions not stated): gnomAD exomes below 0.00001.
gnomAD v4.1: 1 of 1,613,976 alleles (0.000062%); highest among the groups gnomAD compares: Non-Finnish European, 0.000085%; no homozygotes.

Submissions (6):

Myriad Genetics, Inc.
Classification: Uncertain significance for Very long chain acyl-CoA dehydrogenase deficiency. Last evaluated: 2026-03-23. Review status: criteria provided, single submitter. Criteria: Myriad Autosomal Dominant, Autosomal Recessive and X-Linked Classification Criteria (2023). Collection method: clinical testing. Allele origin: unknown.
Comment: NM_000018.3(ACADVL):c.898A>G(M300V) is a missense variant classified as a variant of uncertain significance in the context of very-long-chain acyl-CoA dehydrogenase deficiency. M300V has been observed in cases with relevant disease (PMID: 27209629, 26385305). Relevant functional assessments of this variant are not available in the literature. M300V has not been observed in referenced population frequency databases. In summary, there is insufficient evidence to classify NM_000018.3(ACADVL):c.898A>G(M300V) as pathogenic or benign. Please note: this variant was assessed in the context of healthy population screening.

Women's Health and Genetics/Laboratory Corporation of America, LabCorp
Classification: Uncertain significance. Last evaluated: 2025-09-30. Review status: criteria provided, single submitter. Criteria: LabCorp Variant Classification Summary - May 2015. Collection method: clinical testing. Allele origin: germline.
Comment: Variant summary: ACADVL c.898A>G (p.Met300Val) results in a conservative amino acid change in the encoded protein sequence. Algorithms developed to predict the effect of missense changes on protein structure and function are either unavailable or do not agree on the potential impact of this missense change. The variant was absent in 250866 control chromosomes. The available data on variant occurrences in the general population are insufficient to allow any conclusion about variant significance. c.898A>G has been observed in the presumed compound heterozygous state in at least 1 individual(s) affected with Very Long Chain Acyl-CoA Dehydrogenase Deficiency (Pena_2016). These data do not allow any conclusion about variant significance. To our knowledge, no experimental evidence demonstrating an impact on protein function has been reported. The following publications have been ascertained in the context of this evaluation (PMID: 26385305, 27209629). ClinVar contains an entry for this variant (Variation ID: 550411). Based on the evidence outlined above, the variant was classified as uncertain significance.

Natera, Inc.
Classification: Likely pathogenic for Very long chain acyl-CoA dehydrogenase deficiency. Last evaluated: 2025-01-10. Review status: criteria provided, single submitter. Criteria: Natera Variant Classification Schema (03/2026). Collection method: clinical testing. Allele origin: germline.
Comment: The c.898A>G variant in ACADVL is a missense variant predicted to cause substitution of methionine to valine at amino acid 300. This variant is rare in the general population with a frequency below the threshold expected for the associated phenotype(s). This variant has been observed in one or more individuals affected with the associated recessive disease, as either homozygous or compound heterozygous with a second variant (PMID: 27209629). This variant has been identified in one or more affected individuals with a phenotype highly consistent with the associated gene (PMID: 27209629). Computational prediction algorithms indicate this variant is likely to affect gene or protein function. Given the available evidence, this variant is classified as Likely Pathogenic.

Labcorp Genetics (formerly Invitae), Labcorp
Classification: Pathogenic for Very long chain acyl-CoA dehydrogenase deficiency. Last evaluated: 2024-04-18. Review status: criteria provided, single submitter. Criteria: Invitae Variant Classification Sherloc (09022015). Collection method: clinical testing. Allele origin: germline.
Comment: This sequence change replaces methionine, which is neutral and non-polar, with valine, which is neutral and non-polar, at codon 300 of the ACADVL protein (p.Met300Val). This variant is not present in population databases (gnomAD no frequency). This missense change has been observed in individual(s) with very long chain acyl-CoA dehydrogenase (VLCAD) deficiency (PMID: 26385305, 27209629). ClinVar contains an entry for this variant (Variation ID: 550411). Advanced modeling of protein sequence and biophysical properties (such as structural, functional, and spatial information, amino acid conservation, physicochemical variation, residue mobility, and thermodynamic stability) performed at Invitae indicates that this missense variant is expected to disrupt ACADVL protein function with a positive predictive value of 95%. This variant disrupts the p.Met300 amino acid residue in ACADVL. Other variant(s) that disrupt this residue have been observed in individuals with ACADVL-related conditions (PMID: 28871440, 32558070), which suggests that this may be a clinically significant amino acid residue. For these reasons, this variant has been classified as Pathogenic.

Wong Mito Lab, Molecular and Human Genetics, Baylor College of Medicine
Classification: Uncertain significance for Very long chain acyl-CoA dehydrogenase deficiency. Last evaluated: 2019-11-01. Review status: criteria provided, single submitter. Criteria: ACMG Guidelines, 2015. Collection method: clinical testing. Allele origin: germline.
Comment: The NM_000018.3:c.898A>G (NP_000009.1:p.Met300Val) [GRCH38: NC_000017.11:g.7222686A>G] variant in ACADVL gene is interpretated to be Uncertain Significance based on ACMG guidelines (PMID: 25741868). This variant has been reported. This variant meets the following evidence codes reported in the ACMG guidelines: PP3

Counsyl
Classification: Uncertain significance for Very long chain acyl-CoA dehydrogenase deficiency. Last evaluated: 2017-01-25. Review status: no assertion criteria provided. Collection method: clinical testing. Allele origin: unknown. Not counted in ClinVar's aggregate classification.

Literature cited by the submitters: PubMed 26385305 (cited by 4 submitters); PubMed 27209629 (cited by 5 submitters); PubMed 28871440 (cited by Labcorp Genetics (formerly Invitae), Labcorp); PubMed 32558070 (cited by Labcorp Genetics (formerly Invitae), Labcorp).

NM_000018.4(ACADVL):c.898A>G (p.Met300Val)

Gene: ACADVL (acyl-CoA dehydrogenase very long chain; plus strand). Cytogenetic location: 17p13.1.
Variant type: single nucleotide variant.
Coding change: c.898A>G on transcript NM_000018.4 (MANE Select); coding-DNA position 898, A replaced by G.
Protein change: p.Met300Val; replaces methionine 300 with valine.
Molecular consequence: missense variant.
Genome position (GRCh38, 1-based): chr17:7,222,686, A>G. VCF-style: chr17-7222686-A-G. GRCh37 (hg19) VCF-style: chr17-7126005-A-G.
Other names: c.832A>G, p.Met278Val (NM_001033859.3); c.967A>G, p.Met323Val (NM_001270447.2); c.670A>G, p.Met224Val (NM_001270448.2); short protein forms M300V, M278V, M323V, M224V.
Identifiers: ClinVar variation 550411 (VCV000550411.14), dbSNP rs1026112888, ClinGen allele CA287437521.